The following is an entry in ClinVar:

NM_152419.3(HGSNAT):c.744-2A>G

Gene: HGSNAT (heparan-alpha-glucosaminide N-acetyltransferase; plus strand). Cytogenetic location: 8p11.21.
Variant type: single nucleotide variant.
Coding change: c.744-2A>G on transcript NM_152419.3 (MANE Select); the canonical splice acceptor site of the intron before coding-DNA position 744, A replaced by G.
Molecular consequence: splice acceptor variant.
Genome position (GRCh38, 1-based): chr8:43,172,308, A>G. VCF-style: chr8-43172308-A-G. GRCh37 (hg19) VCF-style: chr8-43027451-A-G.
Other names: c.744-2A>G (NM_001363227.2, NM_001363228.2); c.-90-2A>G (NM_001363229.2).
Identifiers: ClinVar variation 555096 (VCV000555096.4), dbSNP rs762402992, ClinGen allele CA4736619.

ClinVar aggregate classification (germline): Pathogenic. Review status: criteria provided, multiple submitters, no conflicts (2 of 4 stars). 3 submissions from 3 submitters: Pathogenic (2). 1 of the submissions does not count toward it. Last evaluated 2024-09-18.

Conditions:
Mucopolysaccharidosis, MPS-III-C (MPS3C). Also called: SANFILIPPO SYNDROME C; MPS III C; MUCOPOLYSACCHARIDOSIS, TYPE IIIC; Mucopolysaccharidosis type IIIC (Sanfilippo C); MPS IIIC (Sanfilippo Syndrome Type C); mucopolysaccharidosis type 3C. Identifiers: Orphanet 581, Orphanet 79271, MedGen C0086649, MONDO:0009657, OMIM 252930.

Allele frequency attached by ClinVar (database versions not stated): gnomAD exomes below 0.00001; ExAC 0.00001.
gnomAD v4.1: 3 of 1,608,004 alleles (0.00019%); highest among the groups gnomAD compares: South Asian, 0.0022%; no homozygotes.

Submissions (3):

Natera, Inc.
Classification: Pathogenic for Mucopolysaccharidosis type IIIC. Last evaluated: 2024-09-18. Review status: criteria provided, single submitter. Criteria: Natera Variant Classification Schema (03/2026). Collection method: clinical testing. Allele origin: germline.
Comment: The c.744-2A>G variant in HGSNAT is a canonical splice acceptor site variant predicted to affect pre-mRNA splicing, which may result in an abnormal transcript and altered protein product. This variant is expected to result in nonsense mediated decay, truncation, or a dysfunctional protein product. This variant is rare in the general population with a frequency below the threshold expected for the associated phenotype(s). This variant has been observed in one or more individuals affected with the associated recessive disease, as either homozygous or compound heterozygous with a second variant (PMID: 19479962). Given the available evidence, this variant is classified as Pathogenic.

Neuberg Centre For Genomic Medicine, NCGM
Classification: Pathogenic for Mucopolysaccharidosis, MPS-III-C. Review status: criteria provided, single submitter. Criteria: ACMG Guidelines, 2015. Collection method: clinical testing. Allele origin: germline. Affected: yes.
Comment: This variant has been reported to ClinVar as Likely Pathogenic. The c.744-2A>G variant is observed in 1/30,598 (0.0033%) alleles from individuals of South Asian background in gnomAD Exomes and is novel (not in any individuals) in 1000 Genomes. This variant mutates a splice-acceptor sequence, potentially resulting in exon skipping and the production of abnormal proteins. The c.744-2A>G variant is a loss of function variant in the gene HGSNAT, which is intolerant of Loss of Function variants. For these reasons, this variant has been classified as Pathogenic.

Counsyl
Classification: Likely pathogenic for Mucopolysaccharidosis, MPS-III-C. Last evaluated: 2017-11-17. Review status: no assertion criteria provided. Collection method: clinical testing. Allele origin: unknown. Not counted in ClinVar's aggregate classification.

Literature cited by the submitters: PubMed 19479962 (cited by Natera, Inc. and Counsyl).